The following is an entry in ClinVar:

NM_001372044.2(SHANK3):c.3032C>T (p.Ala1011Val)

Gene: SHANK3 (SH3 and multiple ankyrin repeat domains 3; plus strand). Cytogenetic location: 22q13.33.
Variant type: single nucleotide variant.
Coding change: c.3032C>T on transcript NM_001372044.2 (MANE Select); coding-DNA position 3032, C replaced by T.
Protein change: p.Ala1011Val; replaces alanine 1011 with valine.
Molecular consequence: missense variant.
Genome position (GRCh38, 1-based): chr22:50,720,640, C>T. VCF-style: chr22-50720640-C-T. GRCh37 (hg19) VCF-style: chr22-51159068-C-T.
Other names: c.2807C>T, p.Ala936Val (NM_033517.1); short protein forms A936V, A1011V.
Identifiers: ClinVar variation 588651 (VCV000588651.5), dbSNP rs1569114967, ClinGen allele CA515259858.

ClinVar aggregate classification (germline): Uncertain significance (1 of 4 stars; one submission).

Conditions:
Inborn genetic diseases. Identifiers: MedGen C0950123, MeSH D030342.

Allele frequency attached by ClinVar (database versions not stated): gnomAD exomes below 0.00001.

Submission:

Ambry Genetics
Classification: Uncertain significance for Inborn genetic diseases. Last evaluated: 2017-01-12. Review status: criteria provided, single submitter. Criteria: Ambry Variant Classification Scheme 2023. Collection method: clinical testing. Allele origin: germline.
Comment: The p.A936V variant (also known as c.2807C>T), located in coding exon 21 of the SHANK3 gene, results from a C to T substitution at nucleotide position 2807. The alanine at codon 936 is replaced by valine, an amino acid with similar properties. This nucleotide position is not well conserved in available vertebrate species. Since supporting evidence is limited at this time, the clinical significance of this variant remains unclear.